The following is an entry in ClinVar:

ClinVar aggregate classification (germline): Likely pathogenic (1 of 4 stars; one submission).

Conditions:
Mucolipidosis type IV (ML4). Also called: ML IV. Identifiers: Orphanet 578, MedGen C0238286, MONDO:0009653, OMIM 252650.

Submission:

Natera, Inc.
Classification: Likely pathogenic for Mucolipidosis type IV. Last evaluated: 2024-05-13. Review status: criteria provided, single submitter. Criteria: Natera Variant Classification Schema (03/2026). Collection method: clinical testing. Allele origin: germline.
Comment: The c.878-1G>A variant in MCOLN1 is a canonical splice acceptor site variant predicted to affect pre-mRNA splicing, which may result in an abnormal transcript and altered protein product. This variant is expected to result in nonsense mediated decay, truncation, or a dysfunctional protein product. This variant is rare in the general population with a frequency below the threshold expected for the associated phenotype(s). Given the available evidence, this variant is classified as Likely Pathogenic.

NM_020533.3(MCOLN1):c.878-1G>A

Gene: MCOLN1 (mucolipin TRP cation channel 1; plus strand). Cytogenetic location: 19p13.2.
Variant type: single nucleotide variant.
Coding change: c.878-1G>A on transcript NM_020533.3 (MANE Select); the canonical splice acceptor site of the intron before coding-DNA position 878, G replaced by A.
Molecular consequence: splice acceptor variant.
Genome position (GRCh38, 1-based): chr19:7,528,596, G>A. VCF-style: chr19-7528596-G-A. GRCh37 (hg19) VCF-style: chr19-7593482-G-A.
Identifiers: ClinVar variation 4816067 (VCV004816067.1).